The following is an entry in ClinVar:

NM_000326.5(RLBP1):c.346+3_346+8del

Gene: RLBP1 (retinaldehyde binding protein 1; minus strand). Cytogenetic location: 15q26.1.
Variant type: Deletion.
Coding change: c.346+3_346+8del on transcript NM_000326.5 (MANE Select); bases 3 to 8 of the intron after coding-DNA position 346, 6 bases deleted (GAGGCC; older notation c.346+3_346+8delGAGGCC).
Molecular consequence: intron variant.
Genome position (GRCh38, 1-based): chr15:89,217,112-89,217,117, GGCCTC deleted on the plus strand (GAGGCC on the coding strand, the reverse complement: RLBP1 is on the minus strand). VCF-style (leftmost placement, unchanged base first): chr15-89217111-TGGCCTC-T. GRCh37 (hg19) VCF-style: chr15-89760342-TGGCCTC-T.
Other names: c.346+3_346+8del (NM_000326.4).
Identifiers: ClinVar variation 283817 (VCV000283817.44), dbSNP rs56307321, ClinGen allele CA7722319.
Genomic context (GRCh38, chr15:89,217,111, plus strand): 5'-GATGAGAGCGGATAGCATCCTCATGGCCTCCCGTCTTCCCAGGGCCGTCCCTCCAAGCAC[TGGCCTC>T]ACCTCTGAGCAGCTCATAGGCACGGCCCACGTTGAACTTCCGTGCGCGGATGAAGCGCAG-3'

ClinVar aggregate classification (germline): Benign. Review status: criteria provided, multiple submitters, no conflicts (2 of 4 stars). 3 submissions from 3 submitters: Benign (3). Last evaluated 2026-07-01.

Allele frequency attached by ClinVar (database versions not stated): 1000 Genomes Project 30x 0.00422; 1000 Genomes Project 0.00439; TOPMed 0.00687; ESP Exome Variant Server 0.00807; gnomAD 0.00867 and 0.00878; gnomAD exomes 0.00881 and 0.01183; ExAC 0.00937.

Submissions (5):

CeGaT Center for Human Genetics Tuebingen
Classification: Benign. Last evaluated: 2026-07-01. Review status: criteria provided, single submitter. Criteria: CeGaT Center For Human Genetics Tuebingen Variant Classification Criteria Version 2. Collection method: clinical testing. Allele origin: germline. Affected: yes. Observed: 10 variant alleles.
Comment: RLBP1: BP4, BS1, BS2

Labcorp Genetics (formerly Invitae), Labcorp
Classification: Benign. Last evaluated: 2026-02-01. Review status: criteria provided, single submitter. Criteria: Invitae Variant Classification Sherloc (09022015). Collection method: clinical testing. Allele origin: germline.

Eurofins Ntd Llc (ga)
Classification: Benign. Last evaluated: 2015-10-20. Review status: criteria provided, single submitter. Criteria: EGL Classification Definitions 2015. Collection method: clinical testing. Allele origin: germline. Observed: 1 variant allele, 1 heterozygote.

Dr. Peter K. Rogan Lab, Western University
No classification provided (evidence only). Condition: Cholangiocarcinoma. Review status: no classification provided. Collection method: in vitro. Allele origin: not applicable. Functional consequence: retained intron. Not counted in ClinVar's aggregate classification.

Dr. Peter K. Rogan Lab, Western University
No classification provided (evidence only). Condition: Uveal melanoma. Review status: no classification provided. Collection method: in vitro. Allele origin: not applicable. Functional consequence: retained intron. Not counted in ClinVar's aggregate classification.